The following is an entry in ClinVar:

NM_003072.5(SMARCA4):c.3774+4A>G

Gene: SMARCA4 (SWI/SNF related BAF chromatin remodeling complex subunit ATPase 4; plus strand). Cytogenetic location: 19p13.2.
Variant type: single nucleotide variant.
Coding change: c.3774+4A>G on transcript NM_003072.5 (MANE Select); 4 bases into the intron after coding-DNA position 3774, A replaced by G.
Molecular consequence: intron variant.
Genome position (GRCh38, 1-based): chr19:11,033,521, A>G. VCF-style: chr19-11033521-A-G. GRCh37 (hg19) VCF-style: chr19-11144197-A-G.
Other names: c.3774+4A>G (NM_001128844.3, NM_001128849.3, NM_001128847.4 and 4 more transcripts).
Identifiers: ClinVar variation 824190 (VCV000824190.16), dbSNP rs1600390948, ClinGen allele CA915951633.
Genomic context (GRCh38, chr19:11,033,521, plus strand): 5'-AGCCATGAGCGGCGCGCCTTCCTGCAGGCCATCCTGGAGCACGAGGAGCAGGATGAGGTG[A>G]GCCCAGCACCGGCCCCGACCCCTCCCCAGCGTGAATGGTGGACGCGTGAGCGGCTTTCAT-3'

ClinVar aggregate classification (germline): Uncertain significance. Review status: criteria provided, multiple submitters, no conflicts (2 of 4 stars). 3 submissions from 3 submitters: Uncertain significance (3). Last evaluated 2025-09-19.

Conditions:
Hereditary cancer-predisposing syndrome. Also called: Neoplastic Syndromes, Hereditary; Tumor predisposition; Hereditary neoplastic syndrome; Hereditary Cancer Syndrome. Identifiers: Orphanet 140162, MedGen C0027672, MeSH D009386, MONDO:0015356.
Rhabdoid tumor predisposition syndrome 2 (RTPS2). Identifiers: Orphanet 231108, Orphanet 69077, MedGen C2750074, MONDO:0013224, OMIM 613325.
Intellectual disability, autosomal dominant 16 (CSS4). Also called: COFFIN-SIRIS SYNDROME 4. Identifiers: Orphanet 1465, MedGen C3553249, MONDO:0013821, OMIM 614609.

Submissions (3):

Ambry Genetics
Classification: Uncertain significance for Hereditary cancer-predisposing syndrome. Last evaluated: 2025-09-19. Review status: criteria provided, single submitter. Criteria: Ambry Variant Classification Scheme 2023. Collection method: clinical testing. Allele origin: germline.
Comment: The c.3774+4A>G intronic variant results from an A to G substitution 4 nucleotides after coding exon 25 in the SMARCA4 gene. This nucleotide position is highly conserved in available vertebrate species. In silico splice site analysis predicts that this alteration may result in the creation or strengthening of a novel splice donor site; however, direct evidence is insufficient (Ambry internal data). This variant was detected as heterozygous in individual(s) with no reported features of Coffin-Siris syndrome (Ambry internal data). Based on the supporting evidence, the association of this alteration with rhabdoid tumor predisposition syndrome is unknown; however, the association of this alteration with Coffin-Siris syndrome is unlikely.

Labcorp Genetics (formerly Invitae), Labcorp
Classification: Uncertain significance for Rhabdoid tumor predisposition syndrome 2. Last evaluated: 2023-10-25. Review status: criteria provided, single submitter. Criteria: Invitae Variant Classification Sherloc (09022015). Collection method: clinical testing. Allele origin: germline.
Comment: This sequence change falls in intron 26 of the SMARCA4 gene. It does not directly change the encoded amino acid sequence of the SMARCA4 protein. It affects a nucleotide within the consensus splice site. This variant is not present in population databases (gnomAD no frequency). This variant has not been reported in the literature in individuals affected with SMARCA4-related conditions. ClinVar contains an entry for this variant (Variation ID: 824190). Variants that disrupt the consensus splice site are a relatively common cause of aberrant splicing (PMID: 17576681, 9536098). Algorithms developed to predict the effect of sequence changes on RNA splicing suggest that this variant is not likely to affect RNA splicing. In summary, the available evidence is currently insufficient to determine the role of this variant in disease. Therefore, it has been classified as a Variant of Uncertain Significance.

Genome-Nilou Lab
Classification: Uncertain significance for Intellectual disability, autosomal dominant 16. Last evaluated: 2021-07-15. Review status: criteria provided, single submitter. Criteria: ACMG Guidelines, 2015. Collection method: clinical testing. Allele origin: germline. Affected: no.

Literature cited by the submitters: PubMed 17576681 (cited by Labcorp Genetics (formerly Invitae), Labcorp); PubMed 9536098 (cited by Labcorp Genetics (formerly Invitae), Labcorp).